The following is an entry in ClinVar:

ClinVar aggregate classification (germline): Uncertain significance (1 of 4 stars; one submission).

gnomAD v4.1: 170 of 1,613,674 alleles (0.011%); highest among the groups gnomAD compares: African/African-American, 0.013%; 2 homozygotes.

Submission:

GeneDx
Classification: Uncertain significance. Last evaluated: 2024-07-29. Review status: criteria provided, single submitter. Criteria: GeneDx Variant Classification Process June 2021. Collection method: clinical testing. Allele origin: germline. Affected: yes.
Comment: In silico analysis supports that this missense variant has a deleterious effect on protein structure/function; Has not been previously published as pathogenic or benign to our knowledge

NM_001042545.2(LTBP4):c.3394C>T (p.Arg1132Trp)

Gene: LTBP4 (latent transforming growth factor beta binding protein 4; plus strand). Cytogenetic location: 19q13.2.
Variant type: single nucleotide variant.
Coding change: c.3394C>T on transcript NM_001042545.2 (MANE Select); coding-DNA position 3394, C replaced by T.
Protein change: p.Arg1132Trp; replaces arginine 1132 with tryptophan.
Molecular consequence: missense variant.
Genome position (GRCh38, 1-based): chr19:40,622,577, C>T. VCF-style: chr19-40622577-C-T. GRCh37 (hg19) VCF-style: chr19-41128482-C-T.
Other names: c.3595C>T, p.Arg1199Trp (NM_001042544.1); c.3484C>T, p.Arg1162Trp (NM_003573.2); short protein forms R1132W, R1162W, R1199W.
Identifiers: ClinVar variation 3602188 (VCV003602188.1).
Genomic context (GRCh38, chr19:40,622,577, plus strand): 5'-GGGCGCCGGGAGTGCTACTTTGACACAGCGGCCCCGGATGCATGTGACAACATCCTGGCT[C>T]GGAATGTGACATGGCAGGAGTGCTGCTGTACTGTGGGTGAGGGCTGGGGCAGCGGCTGCC-3'
Protein context (NP_001036010.1, residues 1122-1142): APDACDNILA[Arg1132Trp]NVTWQECCCT